The following is an entry in ClinVar:

ClinVar aggregate classification (germline): Pathogenic. Review status: criteria provided, multiple submitters, no conflicts (2 of 4 stars). 8 submissions from 8 submitters: Pathogenic (6). 2 of the submissions do not count toward it. Last evaluated 2025-02-06.

Conditions:
Autosomal recessive agammaglobulinemia 1 (AGM1). Also called: AGAMMAGLOBULINEMIA, AUTOSOMAL RECESSIVE, DUE TO IGHM DEFECT; Agammaglobulinemia type 1. Identifiers: MedGen C3152144, MONDO:0020729, OMIM 601495.
X-linked agammaglobulinemia (XLA). Also called: Agammaglobulinemia, Bruton tyrosine kinase; Agammaglobulinemia, BTK; BTK-deficiency; Bruton-type agammaglobulinemia; Bruton's agammaglobulinemia; AGAMMAGLOBULINEMIA, X-LINKED, TYPE 1. Identifiers: Orphanet 229717, Orphanet 47, MedGen C0221026, MONDO:0010421, OMIM 300755.
X-linked agammaglobulinemia with growth hormone deficiency (IGHD3). Also called: AGAMMAGLOBULINEMIA AND ISOLATED GROWTH HORMONE DEFICIENCY, X-LINKED; ISOLATED GROWTH HORMONE DEFICIENCY, TYPE III, WITH AGAMMAGLOBULINEMIA; FLEISHER SYNDROME; Isolated growth hormone deficiency type 3; Growth hormone deficiency with hypogammaglobulinemia; HYPOGAMMAGLOBULINEMIA AND ISOLATED GROWTH HORMONE DEFICIENCY, X-LINKED. Identifiers: Orphanet 231692, Orphanet 631, MedGen C0472813, MONDO:0010615, OMIM 307200.

Allele frequency attached by ClinVar (database versions not stated): gnomAD exomes below 0.00001.
gnomAD v4.1: 1 of 1,211,243 alleles (0.000083%); highest among the groups gnomAD compares: Non-Finnish European, 0.00011%; no homozygotes.

Submissions (8):

Labcorp Genetics (formerly Invitae), Labcorp
Classification: Pathogenic for X-linked agammaglobulinemia with growth hormone deficiency. Last evaluated: 2025-02-06. Review status: criteria provided, single submitter. Criteria: Invitae Variant Classification Sherloc (09022015). Collection method: clinical testing. Allele origin: germline.
Comment: This sequence change replaces arginine, which is basic and polar, with histidine, which is basic and polar, at codon 28 of the BTK protein (p.Arg28His). This variant is not present in population databases (gnomAD no frequency). This missense change has been observed in individuals with X-linked agammaglobulinemia (PMID: 9143921, 11668622, 19904586). This variant is also known as 215G>A. ClinVar contains an entry for this variant (Variation ID: 11348). Invitae Evidence Modeling of protein sequence and biophysical properties (such as structural, functional, and spatial information, amino acid conservation, physicochemical variation, residue mobility, and thermodynamic stability) indicates that this missense variant is expected to disrupt BTK protein function with a positive predictive value of 95%. Experimental studies have shown that this missense change affects BTK function (PMID: 8939985). For these reasons, this variant has been classified as Pathogenic.

GeneDx
Classification: Pathogenic. Last evaluated: 2025-01-29. Review status: criteria provided, single submitter. Criteria: GeneDx Variant Classification Process June 2021. Collection method: clinical testing. Allele origin: germline. Affected: yes.
Comment: Published functional studies demonstrate a damaging effect with significantly impaired binding activity in comparison to wild-type (PMID: 8939985); Not observed at significant frequency in large population cohorts (gnomAD); In silico analysis supports that this missense variant has a deleterious effect on protein structure/function; This variant is associated with the following publications: (PMID: 18518992, 19904586, 11668622, 9143921, 12655572, 8162018, 9030858, 15024743, 10859027, 27593100, 27512878, 9445504, 7849006, 8090769, 29424453, 29202590, 30290665, 11445810, 31378960, 32552675, 32888943, 36790564, 33584693, 38971313, 37063907, 39404906, 8939985)

Department of Human Genetics, Hannover Medical School
Classification: Pathogenic for X-linked agammaglobulinemia. Last evaluated: 2023-04-03. Review status: criteria provided, single submitter. Criteria: ACMG Guidelines, 2015. Collection method: clinical testing. Allele origin: germline. Inheritance: X-linked inheritance. Affected: yes.

Laboratorio de Genetica e Diagnostico Molecular, Hospital Israelita Albert Einstein
Classification: Pathogenic for X-linked agammaglobulinemia. Last evaluated: 2022-10-21. Review status: criteria provided, single submitter. Criteria: ACMG Guidelines, 2015. Collection method: clinical testing. Allele origin: germline. Affected: yes. Observed: 1 variant allele.
Comment: ACMG classification criteria: PS3 supporting, PS4 strong, PM1 moderated, PM2 moderated, PP3 supporting

3billion
Classification: Pathogenic for X-linked agammaglobulinemia. Last evaluated: 2022-05-22. Review status: criteria provided, single submitter. Criteria: ACMG Guidelines, 2015. Collection method: clinical testing. Allele origin: germline. Affected: yes. Observed: 1 hemizygote.
Comment: The variant is not observed in the gnomAD v2.1.1 dataset. Missense changes are a common disease-causing mechanism. In silico tool predictions suggest damaging effect of the variant on gene or gene product (REVEL: 0.93; 3Cnet: 0.99). Same nucleotide change resulting in same amino acid change has been previously reported as pathogenic/likely pathogenic with strong evidence (ClinVar ID: VCV000011348). Different missense changes at the same codon (p.Arg28Cys, p.Arg28Leu) have been reported as pathogenic/likely pathogenic with strong evidence (ClinVar ID: VCV000946996, VCV001075550). Therefore, this variant is classified as pathogenic according to the recommendation of ACMG/AMP guideline.

CeGaT Center for Human Genetics Tuebingen
Classification: Pathogenic. Last evaluated: 2019-09-01. Review status: criteria provided, single submitter. Criteria: CeGaT Center For Human Genetics Tuebingen Variant Classification Criteria Version 2. Collection method: clinical testing. Allele origin: germline. Affected: yes. Observed: 1 variant allele.

Clinical Molecular Genetics Laboratory, Johns Hopkins All Children's Hospital
Classification: Pathogenic for Autosomal agammaglobulinemia. Last evaluated: 2007-03-13. Review status: no assertion criteria provided. Collection method: clinical testing. Allele origin: germline. Affected: yes. Not counted in ClinVar's aggregate classification.

OMIM
Classification: Pathogenic for AGAMMAGLOBULINEMIA, X-LINKED. Last evaluated: 2001-07-01. Review status: no assertion criteria provided. Collection method: literature only. Allele origin: germline. Not counted in ClinVar's aggregate classification.

Literature cited by the submitters: PubMed 9143921 (cited by Labcorp Genetics (formerly Invitae), Labcorp); PubMed 11668622 (cited by Labcorp Genetics (formerly Invitae), Labcorp); PubMed 19904586 (cited by Labcorp Genetics (formerly Invitae), Labcorp); PubMed 8939985 (cited by Labcorp Genetics (formerly Invitae), Labcorp); PubMed 8090769 (cited by OMIM); PubMed 7678697 (cited by OMIM); PubMed 11445810 (cited by OMIM).

NM_000061.3(BTK):c.83G>A (p.Arg28His)

Gene: BTK (Bruton tyrosine kinase; minus strand). Cytogenetic location: Xq22.1.
Variant type: single nucleotide variant.
Coding change: c.83G>A on transcript NM_000061.3 (MANE Select); coding-DNA position 83, G replaced by A.
Protein change: p.Arg28His; replaces arginine 28 with histidine.
Molecular consequence: missense variant.
Genome position (GRCh38, 1-based): chrX:101,375,202, C>T on the plus strand (G>A on the coding strand, the complement: BTK is on the minus strand). VCF-style: chrX-101375202-C-T. GRCh37 (hg19) VCF-style: chrX-100630190-C-T.
Other names: c.185G>A, p.Arg62His (NM_001287344.2); c.83G>A, p.Arg28His (NM_001287345.2); short protein forms R28H, R62H.
Identifiers: ClinVar variation 11348 (VCV000011348.56), dbSNP rs128620185, ClinGen allele CA255794.